The following is an entry in ClinVar:

NM_001267550.2(TTN):c.35387C>A (p.Ala11796Glu)

Gene: TTN (titin; minus strand). Cytogenetic location: 2q31.2.
Variant type: single nucleotide variant.
Coding change: c.35387C>A on transcript NM_001267550.2 (MANE Select); coding-DNA position 35387, C replaced by A.
Protein change: p.Ala11796Glu; replaces alanine 11796 with glutamic acid.
Molecular consequence: missense variant. On other transcripts: intron variant (4).
Genome position (GRCh38, 1-based): chr2:178,669,675, G>T on the plus strand (C>A on the coding strand, the complement: TTN is on the minus strand). VCF-style: chr2-178669675-G-T. GRCh37 (hg19) VCF-style: chr2-179534402-G-T.
Other names: c.13283-27358C>A (NM_003319.4); c.13859-27358C>A (NM_133437.4); c.13658-27358C>A (NM_133432.3); c.34264+543C>A (NM_001256850.1); c.31483+543C>A (NM_133378.4); c.35387C>A (NM_001267550.1); short protein forms A11796E.
Identifiers: ClinVar variation 191989 (VCV000191989.45), dbSNP rs200321949, ClinGen allele CA238037.

ClinVar aggregate classification (germline): Uncertain significance. Review status: criteria provided, multiple submitters, no conflicts (2 of 4 stars). 5 submissions from 5 submitters: Uncertain significance (5). Last evaluated 2026-08-13.

Conditions:
TTN-related disorder. Also called: TTN-related condition; TTN-related disease; TTN-related disorders.
Dilated cardiomyopathy 1G (CMD1G). Identifiers: Orphanet 154, MedGen C1858763, MONDO:0011400, OMIM 604145.
Autosomal recessive limb-girdle muscular dystrophy type 2J (LGMDR10). Also called: Limb-girdle muscular dystrophy, type 2J; MUSCULAR DYSTROPHY, LIMB-GIRDLE, AUTOSOMAL RECESSIVE 10. Identifiers: Orphanet 140922, MedGen C1837342, MONDO:0012127, OMIM 608807.

Allele frequency attached by ClinVar (database versions not stated): ExAC 0.00003; gnomAD exomes 0.00006; TOPMed 0.00011; gnomAD 0.00012 and 0.00013; ESP Exome Variant Server 0.00035.
gnomAD v4.1: 115 of 1,611,316 alleles (0.0071%); highest among the groups gnomAD compares: Non-Finnish European, 0.009%; no homozygotes.

Submissions (5):

PreventionGenetics, part of Exact Sciences
Classification: Uncertain significance for TTN-related condition. Last evaluated: 2026-08-13. Review status: criteria provided, single submitter. Criteria: ACMG Guidelines, 2015. Collection method: clinical testing. Allele origin: germline.
Comment: The TTN c.35387C>A variant is predicted to result in the amino acid substitution p.Ala11796Glu. To our knowledge, this variant has not been reported in the literature in individuals with TTN-related disorders. This variant is reported in 0.014% of alleles in individuals of European (Non-Finnish) descent in gnomAD. At this time, the clinical significance of this variant is uncertain due to the absence of conclusive functional and genetic evidence.

CeGaT Center for Human Genetics Tuebingen
Classification: Uncertain significance. Last evaluated: 2025-09-01. Review status: criteria provided, single submitter. Criteria: CeGaT Center For Human Genetics Tuebingen Variant Classification Criteria Version 2. Collection method: clinical testing. Allele origin: germline. Affected: yes. Observed: 5 variant alleles.
Comment: TTN: PM2, BP4

Athena Diagnostics
Classification: Uncertain significance. Last evaluated: 2025-01-02. Review status: criteria provided, single submitter. Criteria: Athena Diagnostics Criteria. Collection method: clinical testing. Allele origin: unknown.
Comment: Available data are insufficient to determine the clinical significance of the variant at this time. The frequency of this variant in the general population is uninformative in assessment of its pathogenicity. This variant is in a coding region of the longest isoform of TTN, inferred model NM_001267550.1, however, it is in a non-coding region of the main skeletal and cardiac muscle isoforms of TTN. Computational tools yielded inconclusive predictions regarding the effect of this variant on RNA splicing.

Labcorp Genetics (formerly Invitae), Labcorp
Classification: Uncertain significance for Dilated cardiomyopathy 1G; Autosomal recessive limb-girdle muscular dystrophy type 2J. Last evaluated: 2017-04-03. Review status: criteria provided, single submitter. Criteria: Invitae Variant Classification Sherloc (09022015). Collection method: clinical testing. Allele origin: germline.

Biesecker Lab/Clinical Genomics Section, National Institutes of Health
Classification: Uncertain significance. Last evaluated: 2013-06-24. Review status: criteria provided, single submitter. Criteria: Ng et al. (Circ Cardiovasc Genet. 2013). Collection method: research. Allele origin: unknown. Observed: 1 variant allele. Study: ClinSeq.
Comment: The study set was not selected for affection status in relation to any cancer. Pathogenicity categories were based on literature curation. See Pubmed ID:23861362 for details.

Medical sequencing

Literature cited by the submitters: PubMed 23861362 (cited by Athena Diagnostics).